The following is an entry in ClinVar:

NM_020975.6(RET):c.*1870C>T

Gene: RET (ret proto-oncogene; plus strand). Cytogenetic location: 10q11.21.
Variant type: single nucleotide variant.
Coding change: c.*1870C>T on transcript NM_020975.6 (MANE Select); 1870 bases downstream of the stop codon, C replaced by T.
Molecular consequence: 3 prime UTR variant.
Genome position (GRCh38, 1-based): chr10:43,130,139, C>T. VCF-style: chr10-43130139-C-T. GRCh37 (hg19) VCF-style: chr10-43625587-C-T.
Other names: c.*1870C>T (LRG_518t1).
Identifiers: ClinVar variation 299945 (VCV000299945.6), dbSNP rs146771196, ClinGen allele CA10635358.
Genomic context (GRCh38, chr10:43,130,139, plus strand): 5'-ATCCTTGACCAATTTATCCTTGACCAATAACCTAATTGTCTATTCCTGAGTTATAAAAGT[C>T]CCCATCCTTATTAGCTCTACTGGAATTTTCATACACGTAAATGCAGAAGTTACTAAGTAT-3'

ClinVar aggregate classification (germline): Benign/Likely benign. Review status: criteria provided, single submitter (1 of 4 stars). 4 submissions from 1 submitter: Benign (3); Likely benign (1). Last evaluated 2018-01-12.

Conditions:
Multiple endocrine neoplasia. Identifiers: Orphanet 276161, MedGen C0027662, MONDO:0017169.
Hirschsprung disease, susceptibility to, 1 (HSCR1). Also called: RET-Related Hirschsprung Disease. Identifiers: Orphanet 388, MedGen C3888239, MONDO:0007723, OMIM 142623.
Pheochromocytoma. Also called: MAX-Related Hereditary Paraganglioma-Pheochromocytoma Syndrome. Identifiers: Orphanet 29072, MedGen C0031511, MONDO:0008233, OMIM 171300, HP:0002666.
Renal hypodysplasia/aplasia 1 (RHDA1). Also called: RENAL APLASIA; HEREDITARY RENAL APLASIA. Identifiers: Orphanet 411709, MedGen C1619700, MONDO:0024519, OMIM 191830.

Allele frequency attached by ClinVar (database versions not stated): 1000 Genomes Project 0.00339; 1000 Genomes Project 30x 0.00344; gnomAD 0.00526 and 0.00539; TOPMed 0.00570; gnomAD exomes 0.00715.
gnomAD v4.1: 2,581 of 397,764 alleles (0.65%); highest among the groups gnomAD compares: Middle Eastern, 1.6%; 18 homozygotes.

Submissions (4):

Illumina Laboratory Services, Illumina
Classification: Benign for Multiple endocrine neoplasia. Last evaluated: 2018-01-12. Review status: criteria provided, single submitter. Criteria: ICSL Variant Classification Criteria 13 December 2019. Collection method: clinical testing. Allele origin: germline.
Comment: This variant was observed in the ICSL laboratory as part of a predisposition screen in an ostensibly healthy population. It had not been previously curated by ICSL or reported in the Human Gene Mutation Database (HGMD: prior to June 1st, 2018), and was therefore a candidate for classification through an automated scoring system. Utilizing variant allele frequency, disease prevalence and penetrance estimates, and inheritance mode, an automated score was calculated to assess if this variant is too frequent to cause the disease. Based on the score and internal cut-off values, a variant classified as benign is not then subjected to further curation. The score for this variant resulted in a classification of benign for this disease.

Illumina Laboratory Services, Illumina
Classification: Likely benign for Renal hypodysplasia/aplasia 1. Last evaluated: 2018-01-12. Review status: criteria provided, single submitter. Criteria: ICSL Variant Classification Criteria 13 December 2019. Collection method: clinical testing. Allele origin: germline.
Comment: This variant was observed in the ICSL laboratory as part of a predisposition screen in an ostensibly healthy population. It had not been previously curated by ICSL or reported in the Human Gene Mutation Database (HGMD: prior to June 1st, 2018), and was therefore a candidate for classification through an automated scoring system. Utilizing variant allele frequency, disease prevalence and penetrance estimates, and inheritance mode, an automated score was calculated to assess if this variant is too frequent to cause the disease. Based on the score and internal cut-off values, a variant classified as likely benign is not then subjected to further curation. The score for this variant resulted in a classification of likely benign for this disease.

Illumina Laboratory Services, Illumina
Classification: Benign for Pheochromocytoma. Last evaluated: 2018-01-12. Review status: criteria provided, single submitter. Criteria: ICSL Variant Classification Criteria 13 December 2019. Collection method: clinical testing. Allele origin: germline.
Comment: the same text as in the submission from Illumina Laboratory Services, Illumina above.

Illumina Laboratory Services, Illumina
Classification: Benign for Hirschsprung disease, susceptibility to, 1. Last evaluated: 2018-01-12. Review status: criteria provided, single submitter. Criteria: ICSL Variant Classification Criteria 13 December 2019. Collection method: clinical testing. Allele origin: germline.
Comment: the same text as in the submission from Illumina Laboratory Services, Illumina above.